The following is an entry in ClinVar:

NM_173628.4(DNAH17):c.5607C>T (p.Tyr1869=)

Genes: DNAH17 (dynein axonemal heavy chain 17; minus strand), DNAH17-AS1 (DNAH17 antisense RNA 1; plus strand). Cytogenetic location: 17q25.3.
Variant type: single nucleotide variant.
Coding change: c.5607C>T on transcript NM_173628.4 (MANE Select); coding-DNA position 5607, C replaced by T.
Protein change: p.Tyr1869=; no amino-acid change (tyrosine 1869 retained).
Molecular consequence: synonymous variant. On other transcripts: non-coding transcript variant (1).
Genome position (GRCh38, 1-based): chr17:78,500,338, G>A on the plus strand (C>T on the coding strand, the complement: DNAH17 is on the minus strand). VCF-style: chr17-78500338-G-A. GRCh37 (hg19) VCF-style: chr17-76496420-G-A.
Identifiers: ClinVar variation 3352602 (VCV003352602.2).

ClinVar aggregate classification (germline): Likely benign. Review status: criteria provided, single submitter (1 of 4 stars). 2 submissions from 2 submitters: Likely benign (1). 1 of the submissions does not count toward it. Last evaluated 2026-08-01.

Conditions:
DNAH17-related disorder. Also called: DNAH17-related condition.

gnomAD v4.1: 90 of 1,612,598 alleles (0.0056%); highest among the groups gnomAD compares: East Asian, 0.0089%; no homozygotes.

Submissions (2):

CeGaT Center for Human Genetics Tuebingen
Classification: Likely benign. Last evaluated: 2026-08-01. Review status: criteria provided, single submitter. Criteria: CeGaT Center For Human Genetics Tuebingen Variant Classification Criteria Version 2. Collection method: clinical testing. Allele origin: germline. Affected: yes. Observed: 1 variant allele.
Comment: DNAH17: BP4, BP7

PreventionGenetics, part of Exact Sciences
Classification: Likely benign for DNAH17-related condition. Last evaluated: 2019-05-02. Review status: no assertion criteria provided. Collection method: clinical testing. Allele origin: germline. Not counted in ClinVar's aggregate classification.
Comment: This variant is classified as likely benign based on ACMG/AMP sequence variant interpretation guidelines (Richards et al. 2015 PMID: 25741868, with internal and published modifications).